The following is an entry in ClinVar:

ClinVar aggregate classification (germline): Pathogenic. Review status: criteria provided, single submitter (1 of 4 stars). 3 submissions from 3 submitters: Pathogenic (1). 2 of the submissions do not count toward it. Last evaluated 2023-04-03.

Conditions:
Primary hyperoxaluria, type I (HP1). Also called: GLYCOLIC ACIDURIA; HEPATIC AGT DEFICIENCY; OXALOSIS I; Primary hyperoxaluria type 1. Identifiers: Orphanet 416, Orphanet 93598, MedGen C0268164, MONDO:0009823, OMIM 259900. Disease mechanism: loss of function.

Submissions (3):

Labcorp Genetics (formerly Invitae), Labcorp
Classification: Pathogenic. Last evaluated: 2023-04-03. Review status: criteria provided, single submitter. Criteria: Invitae Variant Classification Sherloc (09022015). Collection method: clinical testing. Allele origin: germline.
Comment: This sequence change affects a donor splice site in intron 2 of the AGXT gene. It is expected to disrupt RNA splicing. Variants that disrupt the donor or acceptor splice site typically lead to a loss of protein function (PMID: 16199547), and loss-of-function variants in AGXT are known to be pathogenic (PMID: 19479957). This variant is not present in population databases (gnomAD no frequency). Disruption of this splice site has been observed in individual(s) with primary hyperoxaluria (PMID: 15961946). ClinVar contains an entry for this variant (Variation ID: 204151). Algorithms developed to predict the effect of sequence changes on RNA splicing suggest that this variant may disrupt the consensus splice site. For these reasons, this variant has been classified as Pathogenic.

Chinese Inherited Urolithiasis Consortium, The Affiliated Yantai Yuhuangding Hospital of Qingdao University
Classification: Pathogenic for Primary hyperoxaluria, type I. Last evaluated: 2024-08-26. Review status: no assertion criteria provided. Collection method: clinical testing. Allele origin: maternal. Affected: yes. Observed: 1 variant allele. Not counted in ClinVar's aggregate classification.

Clinical Biochemistry Laboratory, Health Services Laboratory
Classification: Pathogenic for Primary hyperoxaluria, type I. Last evaluated: 2014-11-27. Review status: no assertion criteria provided. Collection method: research. Allele origin: germline. Affected: yes. Not counted in ClinVar's aggregate classification.

Literature cited by the submitters: PubMed 16199547 (cited by Labcorp Genetics (formerly Invitae), Labcorp); PubMed 19479957 (cited by Labcorp Genetics (formerly Invitae), Labcorp); PubMed 15961946 (cited by Labcorp Genetics (formerly Invitae), Labcorp); PubMed 15253729 (cited by Clinical Biochemistry Laboratory, Health Services Laboratory).

NM_000030.3(AGXT):c.358+1G>T

Gene: AGXT (alanine--glyoxylate aminotransferase; plus strand). Cytogenetic location: 2q37.3.
Variant type: single nucleotide variant.
Coding change: c.358+1G>T on transcript NM_000030.3 (MANE Select); the canonical splice donor site of the intron after coding-DNA position 358, G replaced by T.
Molecular consequence: splice donor variant.
Genome position (GRCh38, 1-based): chr2:240,869,363, G>T. VCF-style: chr2-240869363-G-T. GRCh37 (hg19) VCF-style: chr2-241808780-G-T.
Identifiers: ClinVar variation 204151 (VCV000204151.7), dbSNP rs796052067, ClinGen allele CA275791.